The following is an entry in ClinVar:

ClinVar aggregate classification (germline): Uncertain significance (1 of 4 stars; one submission).

Conditions:
Primary ciliary dyskinesia. Also called: Ciliary dyskinesia. Identifiers: Orphanet 244, MedGen C0008780, MONDO:0016575, HP:0012265.

gnomAD v4.1: 1 of 1,614,016 alleles (0.000062%); no homozygotes.

Submission:

Ambry Genetics
Classification: Uncertain significance for Primary ciliary dyskinesia. Last evaluated: 2024-03-28. Review status: criteria provided, single submitter. Criteria: Ambry Variant Classification Scheme 2023. Collection method: clinical testing. Allele origin: germline.
Comment: The p.E353D variant (also known as c.1059G>C), located in coding exon 8 of the DNAAF1 gene, results from a G to C substitution at nucleotide position 1059. The glutamic acid at codon 353 is replaced by aspartic acid, an amino acid with highly similar properties. This amino acid position is conserved. In addition, this alteration is predicted to be tolerated by in silico analysis. Based on the available evidence, the clinical significance of this alteration remains unclear.

NM_178452.6(DNAAF1):c.1059G>C (p.Glu353Asp)

Gene: DNAAF1 (dynein axonemal assembly factor 1; plus strand). Cytogenetic location: 16q24.1.
Variant type: single nucleotide variant.
Coding change: c.1059G>C on transcript NM_178452.6 (MANE Select); coding-DNA position 1059, G replaced by C.
Protein change: p.Glu353Asp; replaces glutamic acid 353 with aspartic acid.
Molecular consequence: missense variant.
Genome position (GRCh38, 1-based): chr16:84,169,887, G>C. VCF-style: chr16-84169887-G-C. GRCh37 (hg19) VCF-style: chr16-84203493-G-C.
Other names: c.351G>C, p.Glu117Asp (NM_001318756.1); short protein forms E117D, E353D.
Identifiers: ClinVar variation 3272498 (VCV003272498.1).
Genomic context (GRCh38, chr16:84,169,887, plus strand): 5'-CCCACATTCACCTTTGCATTTTCTGCCATTAGGGGAGATGACATCTTCAGATGATGGTGA[G>C]AATGTGCCCGCCAGTGCGGAAGGCAAGGAGGAGCCTCCCGGGGACAGAGAAACAAGGCAG-3'
Protein context (NP_848547.4, residues 343-363): RGEMTSSDDG[Glu353Asp]NVPASAEGKE